The following is an entry in ClinVar:

ClinVar aggregate classification (germline): Uncertain significance. Review status: criteria provided, multiple submitters, no conflicts (2 of 4 stars). 2 submissions from 2 submitters: Uncertain significance (2). Last evaluated 2021-10-22.

Conditions:
Cardiomyopathy (CMYO). Also called: Cardiomyopathies. Identifiers: Orphanet 167848, MedGen C0878544, MONDO:0004994, HP:0001638. Inheritance: Various modes of inheritance.

Allele frequency attached by ClinVar (database versions not stated): gnomAD 0.00001; gnomAD exomes 0.00001 and 0.00003; TOPMed 0.00002; ExAC 0.00004; ESP Exome Variant Server 0.00008.
gnomAD v4.1: 22 of 1,613,764 alleles (0.0014%); highest among the groups gnomAD compares: African/African-American, 0.004%; no homozygotes.

Submissions (2):

CHEO Genetics Diagnostic Laboratory, Children's Hospital of Eastern Ontario
Classification: Uncertain significance for Cardiomyopathy. Last evaluated: 2021-10-22. Review status: criteria provided, single submitter. Criteria: ACMG Guidelines, 2015. Collection method: clinical testing. Allele origin: germline.

Biesecker Lab/Clinical Genomics Section, National Institutes of Health
Classification: Uncertain significance. Last evaluated: 2013-06-24. Review status: criteria provided, single submitter. Criteria: Ng et al. (Circ Cardiovasc Genet. 2013). Collection method: research. Allele origin: unknown. Observed: 1 variant allele. Study: ClinSeq.
Comment: The study set was not selected for affection status in relation to any cancer. Pathogenicity categories were based on literature curation. See Pubmed ID:23861362 for details.

Medical sequencing

NM_001267550.2(TTN):c.87496G>A (p.Gly29166Ser)

Genes: TTN-AS1 (TTN antisense RNA 1; plus strand), TTN (titin; minus strand). Cytogenetic location: 2q31.2.
Variant type: single nucleotide variant.
Coding change: c.87496G>A on transcript NM_001267550.2 (MANE Select); coding-DNA position 87496, G replaced by A.
Protein change: p.Gly29166Ser; replaces glycine 29166 with serine.
Molecular consequence: missense variant.
Genome position (GRCh38, 1-based): chr2:178,557,858, C>T on the plus strand (G>A on the coding strand, the complement: TTN is on the minus strand). VCF-style: chr2-178557858-C-T. GRCh37 (hg19) VCF-style: chr2-179422585-C-T.
Other names: c.82573G>A, p.Gly27525Ser (NM_001256850.1); c.60301G>A, p.Gly20101Ser (NM_003319.4); c.79792G>A, p.Gly26598Ser (NM_133378.4); c.60676G>A, p.Gly20226Ser (NM_133432.3); c.60877G>A, p.Gly20293Ser (NM_133437.4); short protein forms G26598S, G29166S, G20101S, G20293S, G27525S, G20226S.
Identifiers: ClinVar variation 191864 (VCV000191864.3), dbSNP rs200263009, ClinGen allele CA237734.